The following is an entry in ClinVar:

ClinVar aggregate classification (germline): Uncertain significance (1 of 4 stars; one submission).

Submission:

GeneDx
Classification: Uncertain significance. Last evaluated: 2023-06-02. Review status: criteria provided, single submitter. Criteria: GeneDx Variant Classification Process June 2021. Collection method: clinical testing. Allele origin: germline. Affected: yes.
Comment: Not observed at significant frequency in large population cohorts (gnomAD); In-frame deletion of 1 amino acid in a non-repeat region; In silico analysis supports a deleterious effect on protein structure/function; Has not been previously published as pathogenic or benign to our knowledge

NM_001393769.1(MED12L):c.3708TGA[1] (p.Asp1238del)

Genes: MED12L (mediator complex subunit 12L; plus strand), P2RY12 (purinergic receptor P2Y12; minus strand). Cytogenetic location: 3q25.1.
Variant type: Microsatellite.
Coding change: c.3708TGA[1] on transcript NM_001393769.1 (MANE Select); one copy of the 3-base unit TGA starting at c.3708; the reference has two copies in a row; one copy, 3 bases deleted.
Protein change: p.Asp1238del; deletes aspartic acid 1238.
Molecular consequence: inframe deletion. On other transcripts: intron variant (1).
Genome position (GRCh38, 1-based): chr3:151,372,613-151,372,615, TGA deleted; deleting any 3 consecutive bases within chr3:151,372,609-151,372,615 gives the same sequence; the position shown is the placement nearest the transcript's 3' end. VCF-style (leftmost placement, unchanged base first): chr3-151372608-AATG-A. GRCh37 (hg19) VCF-style: chr3-151090396-AATG-A.
Other names: c.3603TGA[1], p.Asp1203del (NM_053002.6); c.-180+12081_-180+12083del (NM_022788.5); short protein forms D1203del, D1238del.
Identifiers: ClinVar variation 2505840 (VCV002505840.1), dbSNP rs2473794175, ClinGen allele CA2580615998.